The following is an entry in ClinVar:

ClinVar aggregate classification (germline): Uncertain significance (1 of 4 stars; one submission).

Allele frequency attached by ClinVar (database versions not stated): gnomAD exomes 0.00001; gnomAD 0.00002.
gnomAD v4.1: 23 of 1,609,702 alleles (0.0014%); highest among the groups gnomAD compares: East Asian, 0.0067%; no homozygotes.

Submission:

Labcorp Genetics (formerly Invitae), Labcorp
Classification: Uncertain significance. Last evaluated: 2024-07-10. Review status: criteria provided, single submitter. Criteria: Invitae Variant Classification Sherloc (09022015). Collection method: clinical testing. Allele origin: germline.
Comment: This sequence change replaces arginine, which is basic and polar, with cysteine, which is neutral and slightly polar, at codon 3398 of the ASPM protein (p.Arg3398Cys). This variant is present in population databases (no rsID available, gnomAD 0.007%). This variant has not been reported in the literature in individuals affected with ASPM-related conditions. An algorithm developed to predict the effect of missense changes on protein structure and function outputs the following: PolyPhen-2: "Benign". The cysteine amino acid residue is found in multiple mammalian species, which suggests that this missense change does not adversely affect protein function. In summary, the available evidence is currently insufficient to determine the role of this variant in disease. Therefore, it has been classified as a Variant of Uncertain Significance.

NM_018136.5(ASPM):c.10192C>T (p.Arg3398Cys)

Gene: ASPM (assembly factor for spindle microtubules; minus strand). Cytogenetic location: 1q31.3.
Variant type: single nucleotide variant.
Coding change: c.10192C>T on transcript NM_018136.5 (MANE Select); coding-DNA position 10192, C replaced by T.
Protein change: p.Arg3398Cys; replaces arginine 3398 with cysteine.
Molecular consequence: missense variant.
Genome position (GRCh38, 1-based): chr1:197,086,942, G>A on the plus strand (C>T on the coding strand, the complement: ASPM is on the minus strand). VCF-style: chr1-197086942-G-A. GRCh37 (hg19) VCF-style: chr1-197056072-G-A.
Other names: c.5437C>T, p.Arg1813Cys (NM_001206846.2); short protein forms R1813C, R3398C.
Identifiers: ClinVar variation 2890885 (VCV002890885.3), dbSNP rs376905328, ClinGen allele CA35860352.
Genomic context (GRCh38, chr1:197,086,942, plus strand): 5'-GTATTCTTTCAGTATTCATTTTATGTTTATGAGCTGTAAGTTTGTAGAGACTGTAAATAC[G>A]GTCAACAACTTTGGACCTACTTCGTACATCCTACAAAATAAAATGCACAGTTACTAAAAA-3'
Protein context (NP_060606.3, residues 3388-3408): DVRSRSKVVD[Arg3398Cys]IYSLYKLTAH